The following is an entry in ClinVar:

ClinVar aggregate classification (germline): Benign/Likely benign. Review status: criteria provided, multiple submitters, no conflicts (2 of 4 stars). 6 submissions from 6 submitters: Benign (1); Likely benign (4). 1 of the submissions does not count toward it. Last evaluated 2026-01-19.

Conditions:
Hereditary cancer-predisposing syndrome. Also called: Tumor predisposition; Hereditary Cancer Syndrome; Neoplastic Syndromes, Hereditary; Hereditary neoplastic syndrome. Identifiers: Orphanet 140162, MedGen C0027672, MeSH D009386, MONDO:0015356.
ALK-related disorder. Also called: ALK-related condition.
Neuroblastoma, susceptibility to, 3. Also called: ALK-Related Neuroblastic Tumor Susceptibility. Identifiers: Orphanet 635, MedGen C2751681, MONDO:0013083, OMIM 613014.

Allele frequency attached by ClinVar (database versions not stated): gnomAD exomes 0.00020; TOPMed 0.00024; ExAC 0.00025; gnomAD 0.00029 and 0.00032; ESP Exome Variant Server 0.00038.
gnomAD v4.1: 696 of 1,614,198 alleles (0.043%); highest among the groups gnomAD compares: Non-Finnish European, 0.057%; 2 homozygotes.

Submissions (6):

Labcorp Genetics (formerly Invitae), Labcorp
Classification: Likely benign for Neuroblastoma, susceptibility to, 3. Last evaluated: 2026-01-19. Review status: criteria provided, single submitter. Criteria: Invitae Variant Classification Sherloc (09022015). Collection method: clinical testing. Allele origin: germline.

CeGaT Center for Human Genetics Tuebingen
Classification: Likely benign. Last evaluated: 2025-03-01. Review status: criteria provided, single submitter. Criteria: CeGaT Center For Human Genetics Tuebingen Variant Classification Criteria Version 2. Collection method: clinical testing. Allele origin: germline. Affected: yes. Observed: 5 variant alleles.
Comment: ALK: BP4, BP7

Blueprint Genetics
Classification: Likely benign. Last evaluated: 2024-09-18. Review status: criteria provided, single submitter. Criteria: ACMG Guidelines, 2015. Collection method: clinical testing. Allele origin: germline.

Ambry Genetics
Classification: Likely benign for Hereditary cancer-predisposing syndrome. Last evaluated: 2022-02-13. Review status: criteria provided, single submitter. Criteria: Ambry Variant Classification Scheme 2023. Collection method: clinical testing. Allele origin: germline.

Sema4
Classification: Benign for Hereditary cancer-predisposing syndrome. Last evaluated: 2021-03-19. Review status: criteria provided, single submitter. Criteria: Sema4 Curation Guidelines. Collection method: curation. Allele origin: germline.

PreventionGenetics, part of Exact Sciences
Classification: Likely benign for ALK-related condition. Last evaluated: 2021-05-11. Review status: no assertion criteria provided. Collection method: clinical testing. Allele origin: germline. Not counted in ClinVar's aggregate classification.
Comment: This variant is classified as likely benign based on ACMG/AMP sequence variant interpretation guidelines (Richards et al. 2015 PMID: 25741868, with internal and published modifications).

NM_004304.5(ALK):c.1755C>T (p.Ala585=)

Gene: ALK (ALK receptor tyrosine kinase; minus strand). Cytogenetic location: 2p23.2.
Variant type: single nucleotide variant.
Coding change: c.1755C>T on transcript NM_004304.5 (MANE Select); coding-DNA position 1755, C replaced by T.
Protein change: p.Ala585=; no amino-acid change (alanine 585 retained).
Molecular consequence: synonymous variant.
Genome position (GRCh38, 1-based): chr2:29,296,950, G>A on the plus strand (C>T on the coding strand, the complement: ALK is on the minus strand). VCF-style: chr2-29296950-G-A. GRCh37 (hg19) VCF-style: chr2-29519816-G-A.
Identifiers: ClinVar variation 239797 (VCV000239797.41), dbSNP rs373605278, ClinGen allele CA1594542.
Genomic context (GRCh38, chr2:29,296,950, plus strand): 5'-GTCAGACACATCGAGGAGAGGCAACACCATCCACTGCCACAGGCTCAAGCCTTCATAGGC[G>A]GCGACATGCCAGACCATCCTGCCTTGCTCCTTCCCGGTTTTGTTCTCCACTAGCACCAAG-3'
Protein context (NP_004295.2, residues 575-595): KEQGRMVWHV[Ala585=]AYEGLSLWQW